The following is an entry in ClinVar:

NM_000064.4(C3):c.4594C>T (p.Arg1532Trp)

Gene: C3 (complement C3; minus strand). Cytogenetic location: 19p13.3.
Variant type: single nucleotide variant.
Coding change: c.4594C>T on transcript NM_000064.4 (MANE Select); coding-DNA position 4594, C replaced by T.
Protein change: p.Arg1532Trp; replaces arginine 1532 with tryptophan.
Molecular consequence: missense variant.
Genome position (GRCh38, 1-based): chr19:6,679,161, G>A on the plus strand (C>T on the coding strand, the complement: C3 is on the minus strand). VCF-style: chr19-6679161-G-A. GRCh37 (hg19) VCF-style: chr19-6679172-G-A.
Other names: short protein forms R1532W.
Identifiers: ClinVar variation 3715011 (VCV003715011.4).
Genomic context (GRCh38, chr19:6,679,161, plus strand): 5'-GACCCCCACCCATCACCCACTCACCATAGTCCACTCCTGGCTCACAGGCCTTGTCCAGCC[G>A]TTCTTCCAGGGTGACCTTGTCATCCGACTTTTGTATGAAGCAATTCTCTGCAGGGTGGGG-3'
Protein context (NP_000055.2, residues 1522-1542): KSDDKVTLEE[Arg1532Trp]LDKACEPGVD

ClinVar aggregate classification (germline): Uncertain significance. Review status: criteria provided, multiple submitters, no conflicts (2 of 4 stars). 3 submissions from 3 submitters: Uncertain significance (3). Last evaluated 2025-09-30.

Conditions:
C3 glomerulonephritis. Also called: C3 GLOMERULOPATHY 3; Nephropathy due to CFHR5 Deficiency. Identifiers: Orphanet 329931, MedGen C4055342, MONDO:0013892, OMIM 614809.

gnomAD v4.1: 142 of 1,614,012 alleles (0.0088%); highest among the groups gnomAD compares: Non-Finnish European, 0.011%; no homozygotes.

Submissions (3):

Genomenon, Inc
Classification: Uncertain significance for C3 glomerulonephritis. Last evaluated: 2025-09-30. Review status: criteria provided, single submitter. Criteria: Genomenon Sequence Variant Interpretation Standards. Collection method: curation. Allele origin: germline. Affected: yes.
Comment: C3 p.Arg1532Trp (c.4594C>T) is a missense variant that changes the amino acid at residue 1532 from Arginine to Tryptophan. This variant has been observed in at least one proband affected with C3 glomerulonephritis (PMID:35619721). It is absent or not present at a significant frequency in gnomAD. In silico models agree that this variant is not damaging. In conclusion, we classify C3 p.Arg1532Trp (c.4594C>T) as a variant of unknown significance.

Labcorp Genetics (formerly Invitae), Labcorp
Classification: Uncertain significance. Last evaluated: 2024-03-07. Review status: criteria provided, single submitter. Criteria: Invitae Variant Classification Sherloc (09022015). Collection method: clinical testing. Allele origin: germline.
Comment: This sequence change replaces arginine, which is basic and polar, with tryptophan, which is neutral and slightly polar, at codon 1532 of the C3 protein (p.Arg1532Trp). This variant is present in population databases (rs199911426, gnomAD 0.007%). This variant has not been reported in the literature in individuals affected with C3-related conditions. Advanced modeling of protein sequence and biophysical properties (such as structural, functional, and spatial information, amino acid conservation, physicochemical variation, residue mobility, and thermodynamic stability) performed at Invitae indicates that this missense variant is expected to disrupt C3 protein function with a positive predictive value of 80%. In summary, the available evidence is currently insufficient to determine the role of this variant in disease. Therefore, it has been classified as a Variant of Uncertain Significance.

Blueprint Genetics
Classification: Uncertain significance. Last evaluated: 2023-08-23. Review status: criteria provided, single submitter. Criteria: ACMG Guidelines, 2015. Collection method: clinical testing. Allele origin: germline.

Literature cited by the submitters: PubMed 35619721 (cited by Genomenon, Inc).